The following is an entry in ClinVar:

NM_000038.6(APC):c.8192C>T (p.Pro2731Leu)

Gene: APC (APC regulator of Wnt signaling pathway; plus strand). Cytogenetic location: 5q22.2.
Variant type: single nucleotide variant.
Coding change: c.8192C>T on transcript NM_000038.6 (MANE Select); coding-DNA position 8192, C replaced by T.
Protein change: p.Pro2731Leu; replaces proline 2731 with leucine.
Molecular consequence: missense variant.
Genome position (GRCh38, 1-based): chr5:112,843,786, C>T. VCF-style: chr5-112843786-C-T. GRCh37 (hg19) VCF-style: chr5-112179483-C-T.
Other names: c.8192C>T (NM_000038.5); c.8192C>T, p.Pro2731Leu (NM_001127510.3, NM_001354895.2); c.8138C>T, p.Pro2713Leu (NM_001127511.3); c.8246C>T, p.Pro2749Leu (NM_001354896.2); c.8222C>T, p.Pro2741Leu (NM_001354897.2); c.8117C>T, p.Pro2706Leu (NM_001354898.2); c.8108C>T, p.Pro2703Leu (NM_001354899.2); c.8069C>T, p.Pro2690Leu (NM_001354900.2); and 6 more; short protein forms P2672L, P2690L, P2706L, P2731L, P2571L, P2713L, P2741L, P2605L.
Identifiers: ClinVar variation 1420754 (VCV001420754.9), dbSNP rs1766675775, ClinGen allele CA16039115.
Genomic context (GRCh38, chr5:112,843,786, plus strand): 5'-TTCCCATGCGTACCGTGGGTTTGGAAAATCGCCTGAACTCCTTTATTCAGGTGGATGCCC[C>T]TGACCAAAAAGGAACTGAGATAAAACCAGGACAAAATAATCCTGTCCCTGTATCAGAGAC-3'
Protein context (NP_000029.2, residues 2721-2741): RLNSFIQVDA[Pro2731Leu]DQKGTEIKPG

ClinVar aggregate classification (germline): Uncertain significance. Review status: criteria provided, multiple submitters, no conflicts (2 of 4 stars). 2 submissions from 2 submitters: Uncertain significance (2). Last evaluated 2025-09-16.

Conditions:
Familial adenomatous polyposis 1 (FAP1). Also called: POLYPOSIS, ADENOMATOUS INTESTINAL; FAMILIAL ADENOMATOUS POLYPOSIS 1, ATTENUATED. Identifiers: MedGen C2713442, MONDO:0021056, OMIM 175100. Disease mechanism: loss of function.
Hereditary cancer-predisposing syndrome. Also called: Neoplastic Syndromes, Hereditary; Hereditary Cancer Syndrome; Hereditary neoplastic syndrome; Tumor predisposition. Identifiers: Orphanet 140162, MedGen C0027672, MeSH D009386, MONDO:0015356.

Submissions (2):

Ambry Genetics
Classification: Uncertain significance for Hereditary cancer-predisposing syndrome. Last evaluated: 2025-09-16. Review status: criteria provided, single submitter. Criteria: Ambry Variant Classification Scheme 2023. Collection method: clinical testing. Allele origin: germline.
Comment: The p.P2731L variant (also known as c.8192C>T), located in coding exon 15 of the APC gene, results from a C to T substitution at nucleotide position 8192. The proline at codon 2731 is replaced by leucine, an amino acid with similar properties. This amino acid position is well conserved in available vertebrate species. In addition, in silico predictors for this gene do not accurately predict pathogenicity. Missense alterations in APC are not a common cause of disease (Spier I et al. Genet Med. 2024 Feb;26(2):100992). Based on the available evidence, the clinical significance of this variant remains unclear.

Labcorp Genetics (formerly Invitae), Labcorp
Classification: Uncertain significance for Familial adenomatous polyposis 1. Last evaluated: 2021-05-04. Review status: criteria provided, single submitter. Criteria: Invitae Variant Classification Sherloc (09022015). Collection method: clinical testing. Allele origin: germline.
Comment: This sequence change replaces proline with leucine at codon 2731 of the APC protein (p.Pro2731Leu). The proline residue is highly conserved and there is a moderate physicochemical difference between proline and leucine. This variant is not present in population databases (ExAC no frequency). This variant has not been reported in the literature in individuals with APC-related conditions. Algorithms developed to predict the effect of missense changes on protein structure and function (SIFT, PolyPhen-2, Align-GVGD) all suggest that this variant is likely to be tolerated, but these predictions have not been confirmed by published functional studies and their clinical significance is uncertain. In summary, the available evidence is currently insufficient to determine the role of this variant in disease. Therefore, it has been classified as a Variant of Uncertain Significance.